The following is an entry in ClinVar:

ClinVar aggregate classification (germline): Pathogenic/Likely pathogenic. Review status: criteria provided, multiple submitters, no conflicts (2 of 4 stars). 3 submissions from 3 submitters: Pathogenic (1); Likely pathogenic (2). Last evaluated 2026-09-08.

Conditions:
Fabry disease. Also called: ALPHA-GALACTOSIDASE A DEFICIENCY; ANDERSON-FABRY DISEASE; CERAMIDE TRIHEXOSIDASE DEFICIENCY; GLA DEFICIENCY; HEREDITARY DYSTOPIC LIPIDOSIS; Angiokeratoma corporis diffusum. Identifiers: Orphanet 324, MedGen C0002986, MONDO:0010526, OMIM 301500, HP:0001071. Disease mechanism: Fabry disease is due to inactivating mutations in the X-linked GLA gene resulting in deficiency of the enzyme Alpha Galactosidase-A., loss of function.

Submissions (3):

Genomenon, Inc
Classification: Pathogenic for Fabry disease. Last evaluated: 2026-09-08. Review status: criteria provided, single submitter. Criteria: Genomenon Sequence Variant Interpretation Standards - Updated. Collection method: curation. Allele origin: germline. Affected: yes.
Comment: GLA p.Cys378Arg (c.1132T>C) is a missense variant that changes the amino acid at codon 378 from Cysteine to Arginine. This variant has been observed in at least one proband with clinical features consistent with Fabry disease (PMID:39362930). At least one functional study has demonstrated a substantial alteration in protein function relative to the wild-type (PMID:32023956;27657681). This variant is located in a mutational hotspot and/or important functional domain. It is absent or not present at a significant frequency in gnomAD. In silico models predict that this variant is possibly or probably damaging. In conclusion, we classify GLA p.Cys378Arg (c.1132T>C) as a pathogenic variant.

Variantyx, Inc.
Classification: Likely pathogenic for Fabry disease. Last evaluated: 2025-09-09. Review status: criteria provided, single submitter. Criteria: Variantyx Assertion Criteria 2022. Collection method: clinical testing. Allele origin: maternal. Inheritance: X-linked inheritance.
Comment: This is a nonsynonymous variant in the GLA gene (OMIM: 300644). Pathogenic variants in this gene have been associated with X-linked Fabry disease. Functional studies have shown that this variant alters GLA protein function (PMID: 23935525) (PS3_Moderate), and multiple computational algorithms predict a deleterious effect (REVEL score: 0.879) (PP3). An alternate amino acid change at this position (p.Cys378Tyr) has been previously reported in similarly affected individuals, which suggests that this residue is biologically important (PMID: 10666480, 12920095) (PM5). This variant is absent from control populations (PM2). Based on the current evidence, this variant is classified as likely pathogenic for X-linked Fabry disease.

Labcorp Genetics (formerly Invitae), Labcorp
Classification: Likely pathogenic for Fabry disease. Last evaluated: 2025-07-08. Review status: criteria provided, single submitter. Criteria: Invitae Variant Classification Sherloc (09022015). Collection method: clinical testing. Allele origin: germline.
Comment: This sequence change replaces cysteine, which is neutral and slightly polar, with arginine, which is basic and polar, at codon 378 of the GLA protein (p.Cys378Arg). This variant is not present in population databases (gnomAD no frequency). This missense change has been observed in individuals with Fabry disease (PMID: 23935525; internal data). Invitae Evidence Modeling of protein sequence and biophysical properties (such as structural, functional, and spatial information, amino acid conservation, physicochemical variation, residue mobility, and thermodynamic stability) indicates that this missense variant is not expected to disrupt GLA protein function with a negative predictive value of 80%. Experimental studies have shown that this missense change affects GLA function (PMID: 23935525). This variant disrupts the p.Cys378 amino acid residue in GLA. Other variant(s) that disrupt this residue have been determined to be pathogenic (PMID: 10666480, 12920095, 26047621). This suggests that this residue is clinically significant, and that variants that disrupt this residue are likely to be disease-causing. In summary, the currently available evidence indicates that the variant is pathogenic, but additional data are needed to prove that conclusively. Therefore, this variant has been classified as Likely Pathogenic.

Literature cited by the submitters: PubMed 39362930 (cited by Genomenon, Inc); PubMed 32023956 (cited by Genomenon, Inc); PubMed 27657681 (cited by Genomenon, Inc); PubMed 10666480 (cited by Variantyx, Inc. and Labcorp Genetics (formerly Invitae), Labcorp); PubMed 12920095 (cited by Variantyx, Inc. and Labcorp Genetics (formerly Invitae), Labcorp); PubMed 23935525 (cited by Variantyx, Inc. and Labcorp Genetics (formerly Invitae), Labcorp); PubMed 26047621 (cited by Labcorp Genetics (formerly Invitae), Labcorp).

NM_000169.3(GLA):c.1132T>C (p.Cys378Arg)

Genes: GLA (galactosidase alpha; minus strand), RPL36A-HNRNPH2 (RPL36A-HNRNPH2 readthrough; plus strand). Cytogenetic location: Xq22.1.
Variant type: single nucleotide variant.
Coding change: c.1132T>C on transcript NM_000169.3 (MANE Select); coding-DNA position 1132, T replaced by C.
Protein change: p.Cys378Arg; replaces cysteine 378 with arginine.
Molecular consequence: missense variant. On other transcripts: non-coding transcript variant (3), intron variant (2).
Genome position (GRCh38, 1-based): chrX:101,397,967, A>G on the plus strand (T>C on the coding strand, the complement: GLA is on the minus strand). VCF-style: chrX-101397967-A-G. GRCh37 (hg19) VCF-style: chrX-100652955-A-G.
Other names: c.1255T>C, p.Cys419Arg (NM_001406747.1); c.300+2510A>G (NM_001199973.2); c.177+6145A>G (NM_001199974.2); short protein forms C378R, C419R.
Identifiers: ClinVar variation 4087645 (VCV004087645.4), dbSNP rs869312230.